The following is an entry in ClinVar:

NM_005732.4(RAD50):c.1261A>G (p.Lys421Glu)

Gene: RAD50 (RAD50 double strand break repair protein; plus strand). Cytogenetic location: 5q31.1.
Variant type: single nucleotide variant.
Coding change: c.1261A>G on transcript NM_005732.4 (MANE Select); coding-DNA position 1261, A replaced by G.
Protein change: p.Lys421Glu; replaces lysine 421 with glutamic acid.
Molecular consequence: missense variant.
Genome position (GRCh38, 1-based): chr5:132,589,646, A>G. VCF-style: chr5-132589646-A-G. GRCh37 (hg19) VCF-style: chr5-131925338-A-G.
Other names: short protein forms K421E.
Identifiers: ClinVar variation 5027702 (VCV005027702.1).

ClinVar aggregate classification (germline): Uncertain significance (1 of 4 stars; one submission).

Conditions:
Hereditary cancer-predisposing syndrome. Also called: Neoplastic Syndromes, Hereditary; Tumor predisposition; Hereditary neoplastic syndrome; Hereditary Cancer Syndrome. Identifiers: Orphanet 140162, MedGen C0027672, MeSH D009386, MONDO:0015356.

gnomAD v4.1: 1 of 1,593,048 alleles (0.000063%); highest among the groups gnomAD compares: Non-Finnish European, 0.000085%; no homozygotes.

Submission:

Ambry Genetics
Classification: Uncertain significance for Hereditary cancer-predisposing syndrome. Last evaluated: 2026-06-24. Review status: criteria provided, single submitter. Criteria: Ambry Variant Classification Scheme 2023. Collection method: clinical testing. Allele origin: germline.
Comment: The p.K421E variant (also known as c.1261A>G), located in coding exon 9 of the RAD50 gene, results from an A to G substitution at nucleotide position 1261. The lysine at codon 421 is replaced by glutamic acid, an amino acid with similar properties. This amino acid position is conserved. In addition, this alteration is predicted to be tolerated by in silico analysis. Based on the available evidence, the clinical significance of this variant remains unclear.